The following is an entry in ClinVar:

ClinVar aggregate classification (germline): Uncertain significance (1 of 4 stars; one submission).

Conditions:
Inborn genetic diseases. Identifiers: MedGen C0950123, MeSH D030342.

gnomAD v4.1: 2 of 1,614,184 alleles (0.00012%); highest among the groups gnomAD compares: South Asian, 0.0011%; no homozygotes.

Submission:

Ambry Genetics
Classification: Uncertain significance for Inborn genetic diseases. Last evaluated: 2025-08-02. Review status: criteria provided, single submitter. Criteria: Ambry Variant Classification Scheme 2023. Collection method: clinical testing. Allele origin: germline.
Comment: The p.D217V variant (also known as c.650A>T), located in coding exon 3 of the MBD4 gene, results from an A to T substitution at nucleotide position 650. The aspartic acid at codon 217 is replaced by valine, an amino acid with highly dissimilar properties. This amino acid position is conserved. In addition, this alteration is predicted to be tolerated by in silico analysis. Based on the available evidence, the clinical significance of this variant remains unclear.

NM_001276270.2(MBD4):c.650A>T (p.Asp217Val)

Gene: MBD4 (methyl-CpG binding domain 4, DNA glycosylase; minus strand). Cytogenetic location: 3q21.3.
Variant type: single nucleotide variant.
Coding change: c.650A>T on transcript NM_001276270.2 (MANE Select); coding-DNA position 650, A replaced by T.
Protein change: p.Asp217Val; replaces aspartic acid 217 with valine.
Molecular consequence: missense variant. On other transcripts: intron variant (1).
Genome position (GRCh38, 1-based): chr3:129,436,994, T>A on the plus strand (A>T on the coding strand, the complement: MBD4 is on the minus strand). VCF-style: chr3-129436994-T-A. GRCh37 (hg19) VCF-style: chr3-129155837-T-A.
Other names: c.650A>T, p.Asp217Val (NM_001276271.2, NM_001276272.2, NM_003925.3); c.247+814A>T (NM_001276273.2); short protein forms D217V.
Identifiers: ClinVar variation 4104633 (VCV004104633.1).